The following is an entry in ClinVar:

NM_004655.4(AXIN2):c.1087A>G (p.Thr363Ala)

Gene: AXIN2 (axin 2; minus strand). Cytogenetic location: 17q24.1.
Variant type: single nucleotide variant.
Coding change: c.1087A>G on transcript NM_004655.4 (MANE Select); coding-DNA position 1087, A replaced by G.
Protein change: p.Thr363Ala; replaces threonine 363 with alanine.
Molecular consequence: missense variant.
Genome position (GRCh38, 1-based): chr17:65,538,316, T>C on the plus strand (A>G on the coding strand, the complement: AXIN2 is on the minus strand). VCF-style: chr17-65538316-T-C. GRCh37 (hg19) VCF-style: chr17-63534434-T-C.
Other names: c.1087A>G, p.Thr363Ala (NM_001363813.1); short protein forms T363A.
Identifiers: ClinVar variation 4779582 (VCV004779582.1).

ClinVar aggregate classification (germline): Uncertain significance (1 of 4 stars; one submission).

Conditions:
Oligodontia-cancer predisposition syndrome. Also called: TOOTH AGENESIS-COLORECTAL CANCER SYNDROME. Identifiers: Orphanet 300576, MedGen C1837750, MONDO:0012075, OMIM 608615. Disease mechanism: loss of function.

Submission:

Labcorp Genetics (formerly Invitae), Labcorp
Classification: Uncertain significance for Oligodontia-cancer predisposition syndrome. Last evaluated: 2025-06-30. Review status: criteria provided, single submitter. Criteria: Invitae Variant Classification Sherloc (09022015). Collection method: clinical testing. Allele origin: germline.
Comment: This sequence change replaces threonine, which is neutral and polar, with alanine, which is neutral and non-polar, at codon 363 of the AXIN2 protein (p.Thr363Ala). This variant is not present in population databases (gnomAD no frequency). This variant has not been reported in the literature in individuals affected with AXIN2-related conditions. An algorithm developed to predict the effect of missense changes on protein structure and function outputs the following: PolyPhen-2: "Benign". The alanine amino acid residue is found in multiple mammalian species, which suggests that this missense change does not adversely affect protein function. Experimental studies have shown that this missense change does not substantially affect AXIN2 function (PMID: 37189394). In summary, the available evidence is currently insufficient to determine the role of this variant in disease. Therefore, it has been classified as a Variant of Uncertain Significance.

Literature cited by the submitters: PubMed 37189394.